The following is an entry in ClinVar:

NM_015631.6(TCTN3):c.276_277del (p.Cys92_Asp93delinsTer)

Gene: TCTN3 (tectonic family member 3; minus strand). Cytogenetic location: 10q24.1.
Variant type: Microsatellite.
Coding change: c.276_277del on transcript NM_015631.6 (MANE Select); coding-DNA positions 276 to 277, 2 bases deleted (TG; older notation c.276_277delTG).
Protein change: p.Cys92_Asp93delinsTer.
Molecular consequence: nonsense.
Genome position (GRCh38, 1-based): chr10:95,693,456-95,693,457, CA deleted on the plus strand (TG on the coding strand, the reverse complement: TCTN3 is on the minus strand); deleting any 2 consecutive bases within chr10:95,693,456-95,693,459 gives the same sequence; the c. name uses the placement nearest the transcript's 3' end. VCF-style (leftmost placement, unchanged base first): chr10-95693455-TCA-T. GRCh37 (hg19) VCF-style: chr10-97453212-TCA-T.
Other names: c.276_277del, p.Cys92_Asp93delinsTer (NM_001143973.2).
Identifiers: ClinVar variation 1216405 (VCV001216405.16), dbSNP rs553175533, ClinGen allele CA211808325.

ClinVar aggregate classification (germline): Pathogenic/Likely pathogenic. Review status: criteria provided, multiple submitters, no conflicts (2 of 4 stars). 6 submissions from 6 submitters: Pathogenic (2); Likely pathogenic (2). 2 of the submissions do not count toward it. Last evaluated 2026-01-26.

Conditions:
TCTN3-related disorder. Also called: TCTN3-related condition.
Orofacial-digital syndrome IV (OFD4). Also called: BARAITSER-BURN SYNDROME; OFD SYNDROME WITH TIBIAL DEFECTS; OFD SYNDROME, BARAITSER-BURN TYPE; OFDS IV; ORAL-FACIAL-DIGITAL SYNDROME, TYPE IV; Orofaciodigital syndrome IV. Identifiers: Orphanet 2753, MedGen C0406727, MONDO:0009794, OMIM 258860.
Joubert syndrome 18 (JBTS18). Identifiers: Orphanet 2754, MedGen C3553758, MONDO:0013896, OMIM 614815.

Submissions (6):

Labcorp Genetics (formerly Invitae), Labcorp
Classification: Pathogenic for Joubert syndrome 18; Orofacial-digital syndrome IV. Last evaluated: 2026-01-26. Review status: criteria provided, single submitter. Criteria: Invitae Variant Classification Sherloc (09022015). Collection method: clinical testing. Allele origin: germline.
Comment: This sequence change creates a premature translational stop signal (p.Cys92*) in the TCTN3 gene. It is expected to result in an absent or disrupted protein product. Loss-of-function variants in TCTN3 are known to be pathogenic (PMID: 2692869, 22883145, 25118024). This variant is present in population databases (rs553175533, gnomAD 0.005%). This variant has not been reported in the literature in individuals affected with TCTN3-related conditions. ClinVar contains an entry for this variant (Variation ID: 1216405). For these reasons, this variant has been classified as Pathogenic.

Blueprint Genetics
Classification: Likely pathogenic for TCTN3-related disorders. Last evaluated: 2024-10-31. Review status: criteria provided, single submitter. Criteria: ACMG Guidelines, 2015. Collection method: clinical testing. Allele origin: germline. Affected: yes. Observed: 5 variant alleles.

Fulgent Genetics
Classification: Likely pathogenic for Orofacial-digital syndrome IV; Joubert syndrome 18. Last evaluated: 2024-06-05. Review status: criteria provided, single submitter. Criteria: ACMG Guidelines, 2015. Collection method: clinical testing. Allele origin: germline.

GeneDx
Classification: Pathogenic. Last evaluated: 2022-02-08. Review status: criteria provided, single submitter. Criteria: GeneDx Variant Classification Process June 2021. Collection method: clinical testing. Allele origin: germline. Affected: yes.
Comment: Nonsense variant predicted to result in protein truncation or nonsense mediated decay in a gene for which loss-of-function is a known mechanism of disease; Not observed at a significant frequency in large population cohorts (gnomAD); Has not been previously published as pathogenic or benign to our knowledge

Clinical Genetics DNA and cytogenetics Diagnostics Lab, Erasmus MC, Erasmus Medical Center
Classification: Pathogenic. Review status: no assertion criteria provided. Collection method: clinical testing. Allele origin: germline. Affected: yes. Study: VKGL Data-share Consensus. Not counted in ClinVar's aggregate classification.

Laboratory of Diagnostic Genome Analysis, Leiden University Medical Center (LUMC)
Classification: Likely pathogenic. Review status: no assertion criteria provided. Collection method: clinical testing. Allele origin: germline. Affected: yes. Study: VKGL Data-share Consensus. Not counted in ClinVar's aggregate classification.

Literature cited by the submitters: PubMed 2692869 (cited by Labcorp Genetics (formerly Invitae), Labcorp); PubMed 22883145 (cited by Labcorp Genetics (formerly Invitae), Labcorp); PubMed 25118024 (cited by Labcorp Genetics (formerly Invitae), Labcorp).